The following is an entry in ClinVar:

NM_007215.4(POLG2):c.1002T>G (p.Cys334Trp)

Genes: MILR1 (mast cell immunoglobulin like receptor 1; plus strand), POLG2 (DNA polymerase gamma 2, accessory subunit; minus strand). Cytogenetic location: 17q23.3.
Variant type: single nucleotide variant.
Coding change: c.1002T>G on transcript NM_007215.4 (MANE Select); coding-DNA position 1002, T replaced by G.
Protein change: p.Cys334Trp; replaces cysteine 334 with tryptophan.
Molecular consequence: missense variant.
Genome position (GRCh38, 1-based): chr17:64,485,836, A>C on the plus strand (T>G on the coding strand, the complement: POLG2 is on the minus strand). VCF-style: chr17-64485836-A-C. GRCh37 (hg19) VCF-style: chr17-62481953-A-C.
Other names: short protein forms C334W.
Identifiers: ClinVar variation 1716925 (VCV001716925.5), dbSNP rs2509532136, ClinGen allele CA400638120.

ClinVar aggregate classification (germline): Uncertain significance (1 of 4 stars; one submission).

Submission:

Labcorp Genetics (formerly Invitae), Labcorp
Classification: Uncertain significance. Last evaluated: 2022-08-31. Review status: criteria provided, single submitter. Criteria: Invitae Variant Classification Sherloc (09022015). Collection method: clinical testing. Allele origin: germline.
Comment: This variant has not been reported in the literature in individuals affected with POLG2-related conditions. In summary, the available evidence is currently insufficient to determine the role of this variant in disease. Therefore, it has been classified as a Variant of Uncertain Significance. Algorithms developed to predict the effect of missense changes on protein structure and function are either unavailable or do not agree on the potential impact of this missense change (SIFT: "Tolerated"; PolyPhen-2: "Possibly Damaging"; Align-GVGD: "Class C0"). This variant is not present in population databases (gnomAD no frequency). This sequence change replaces cysteine, which is neutral and slightly polar, with tryptophan, which is neutral and slightly polar, at codon 334 of the POLG2 protein (p.Cys334Trp).